The following is an entry in ClinVar:

NM_152564.5(VPS13B):c.7864del (p.Val2622fs)

Gene: VPS13B (vacuolar protein sorting 13 homolog B; plus strand). Cytogenetic location: 8q22.2.
Variant type: Deletion.
Coding change: c.7864del on transcript NM_152564.5 (MANE Select); coding-DNA position 7864, one base deleted (G; older notation c.7864delG).
Protein change: p.Val2622fs; shifts the reading frame from valine 2622.
Molecular consequence: frameshift variant.
Genome position (GRCh38, 1-based): chr8:99,784,399, G deleted; the last of 2 consecutive G bases (chr8:99,784,398-99,784,399); deleting either gives the same sequence. VCF-style (leftmost placement, unchanged base first): chr8-99784397-AG-A. GRCh37 (hg19) VCF-style: chr8-100796625-AG-A.
Other names: c.7939del, p.Val2647fs (NM_017890.5); short protein forms V2647fs, V2622fs.
Identifiers: ClinVar variation 2767654 (VCV002767654.3), dbSNP rs2491873704, ClinGen allele CA2697550073.
Genomic context (GRCh38, chr8:99,784,397, plus strand): 5'-AGTTGGTCTTCAGCCATTTTGTGATCTGTAATGACACACAGGAGACACTGCGGTTTGGCC[AG>A]GTGGATACTGATGAAAATATTCTGCTGGCGAGTCTCCACAGTCACCAGTACAGCTGGCGC-3'

ClinVar aggregate classification (germline): Pathogenic (1 of 4 stars; one submission).

Conditions:
Cohen syndrome (COH1). Also called: PEPPER SYNDROME; Cutis verticis gyrata, retinitis pigmentosa, and sensorineural deafness. Identifiers: Orphanet 193, MedGen C0265223, MONDO:0008999, OMIM 216550.

Submission:

Labcorp Genetics (formerly Invitae), Labcorp
Classification: Pathogenic for Cohen syndrome. Last evaluated: 2023-10-11. Review status: criteria provided, single submitter. Criteria: Invitae Variant Classification Sherloc (09022015). Collection method: clinical testing. Allele origin: germline.
Comment: This sequence change creates a premature translational stop signal (p.Val2647Trpfs*95) in the VPS13B gene. It is expected to result in an absent or disrupted protein product. Loss-of-function variants in VPS13B are known to be pathogenic (PMID: 15141358, 16648375, 20461111). This variant is not present in population databases (gnomAD no frequency). This variant has not been reported in the literature in individuals affected with VPS13B-related conditions. For these reasons, this variant has been classified as Pathogenic.

Literature cited by the submitters: PubMed 15141358; PubMed 16648375; PubMed 20461111.